The following is an entry in ClinVar:

NM_002448.3(MSX1):c.466_469+1del

Gene: MSX1 (msh homeobox 1; plus strand). Cytogenetic location: 4p16.2.
Variant type: Deletion.
Coding change: c.466_469+1del on transcript NM_002448.3 (MANE Select); coding-DNA position 466 through the canonical splice donor site of the intron after coding-DNA position 469, 5 bases deleted (GCCAG; older notation c.466_469+1delGCCAG).
Molecular consequence: splice donor variant.
Genome position (GRCh38, 1-based): chr4:4,860,365-4,860,369, GCCAG deleted; deleting any 5 consecutive bases within chr4:4,860,364-4,860,369 gives the same sequence; the c. name uses the placement nearest the transcript's 3' end. VCF-style (leftmost placement, unchanged base first): chr4-4860363-CGGCCA-C. GRCh37 (hg19) VCF-style: chr4-4862090-CGGCCA-C.
Other names: c.465_469del (NM_002448.3).
Identifiers: ClinVar variation 3242444 (VCV003242444.3), dbSNP rs2474111547.

ClinVar aggregate classification (germline): Pathogenic (1 of 4 stars; one submission).

Conditions:
Tooth agenesis, selective, 1. Also called: HYPODONTIA/OLIGODONTIA 1; SECOND PREMOLARS AND THIRD MOLARS, ABSENCE OF. Identifiers: Orphanet 99798, MedGen C3489529, MONDO:0007129, OMIM 106600. Disease mechanism: loss of function.

Submission:

Stomatology Center, Xiangya Hospital, Central South University
Classification: Pathogenic for Tooth agenesis, selective, 1. Review status: criteria provided, single submitter. Criteria: ACMG Guidelines, 2015. Collection method: research. Allele origin: inherited, not applicable. Inheritance: Autosomal dominant inheritance. Affected: yes. Observed: 1 heterozygote. Functional consequence: variation affecting protein function.
Comment: We conducted whole-exome and Sanger sequencing in family with non-syndromic tooth agenesis, followed by bioinformatics analysis to confirm variant and predict their functional impact. A novel MSX1 heterozygous variants were identified: a frameshift variant (c.465_469del, p.155fs*) , leading to 13 permanent tooth losses . To investigate the effects of MSX1 variants on protein function, we conducted the predictions the secondary and tertiary structures of MSX1 protein. The frameshift variant p.P155fs* caused a deletion of 148 amino acid, including structures of HD and nuclear localization sequences (NLSs) in the MSX1 secondary structure. Immunofluorescence analysis conducted to observe the localization of mutant MSX1 protein in in 293T cells post-transcription after plasmids transfected for 72 hours.The findings revealed that wild-type MSX1 functioned as transcription factors within the nucleus. Conversely, the localization of the p.P155fs* variant was altered, exhibiting stronger protein expression in the cytoplasm compared to the nucleus. Subsequent transfection of the mutant plasmid into human dental pulp stem cells (hDPSCs) yielded consistent results with those observed in 293T cells. To assess the impact of MSX1 variants on the expression of mesenchymal-regulated molecules during odontogenesis, we analyzed the altered regulation levels of BMP4 and PAX9 in the BMP pathway by mutant MSX1 transcription factors.Subsequently, we examined the expression of PAX9 and BMP4 following overexpression of wild-type and variant MSX1 proteins via Western blotting. Our results demonstrated a decrease in PAX9 expression in the p.P155fs* group (Fig. 5c), while p.P155fs* groups exhibited reduced BMP4 expression. In summary, p.P155fs* the variant meets our criteria to be classified as pathogenic based upon segregation studies, absence from controls, and functional evidence.